The following is an entry in ClinVar:

NM_201384.3(PLEC):c.2840G>A (p.Gly947Glu)

Gene: PLEC (plectin; minus strand). Cytogenetic location: 8q24.3.
Variant type: single nucleotide variant.
Coding change: c.2840G>A on transcript NM_201384.3 (MANE Select); coding-DNA position 2840, G replaced by A.
Protein change: p.Gly947Glu; replaces glycine 947 with glutamic acid.
Molecular consequence: missense variant.
Genome position (GRCh38, 1-based): chr8:143,929,729, C>T on the plus strand (G>A on the coding strand, the complement: PLEC is on the minus strand). VCF-style: chr8-143929729-C-T. GRCh37 (hg19) VCF-style: chr8-145003897-C-T.
Other names: c.2921G>A (NM_000445.3); c.2921G>A, p.Gly974Glu (NM_000445.5, NM_001410941.1); c.2798G>A, p.Gly933Glu (NM_201378.4); c.2774G>A, p.Gly925Glu (NM_201379.3); c.3251G>A, p.Gly1084Glu (NM_201380.4); c.2744G>A, p.Gly915Glu (NM_201381.3); c.2840G>A, p.Gly947Glu (NM_201382.4); c.2852G>A, p.Gly951Glu (NM_201383.3); short protein forms G1084E, G974E, G915E, G925E, G947E, G933E, G951E.
Identifiers: ClinVar variation 2935602 (VCV002935602.4), dbSNP rs2538515943, ClinGen allele CA372571073.

ClinVar aggregate classification (germline): Uncertain significance. Review status: criteria provided, multiple submitters, no conflicts (2 of 4 stars). 2 submissions from 2 submitters: Uncertain significance (2). Last evaluated 2025-08-22.

Conditions:
Epidermolysis bullosa simplex with nail dystrophy (EBS5D). Identifiers: MedGen C4225309, MONDO:0014661, OMIM 616487.
Epidermolysis bullosa simplex 5C, with pyloric atresia (EBS5C). Also called: PLEC-Related Epidermolysis Bullosa with Pyloric Atresia; Epidermolysis bullosa simplex with pyloric atresia; PLEC1-Related Epidermolysis Bullosa with Pyloric Atresia. Identifiers: Orphanet 158684, MedGen C2677349, MONDO:0012807, OMIM 612138.
Autosomal recessive limb-girdle muscular dystrophy type 2Q (LGMDR17). Also called: MUSCULAR DYSTROPHY, LIMB-GIRDLE, AUTOSOMAL RECESSIVE 17. Identifiers: Orphanet 254361, MedGen C3150989, MONDO:0013390, OMIM 613723.
Epidermolysis bullosa simplex, Ogna type (EBS5A). Also called: Pidermolysis bullosa simplex 5A, Ogna type; EPIDERMOLYSIS BULLOSA SIMPLEX 5A, OGNA TYPE. Identifiers: Orphanet 79401, MedGen C0432317, MONDO:0007555, OMIM 131950.
Epidermolysis bullosa simplex 5B, with muscular dystrophy (EBS5B). Also called: EPIDERMOLYSIS BULLOSA SIMPLEX AND LIMB-GIRDLE MUSCULAR DYSTROPHY; Epidermolysis bullosa simplex with muscular dystrophy. Identifiers: Orphanet 257, MedGen C2931072, MONDO:0009181, OMIM 226670.

Allele frequency attached by ClinVar (database versions not stated): gnomAD exomes below 0.00001.
gnomAD v4.1: 4 of 1,599,246 alleles (0.00025%); highest among the groups gnomAD compares: Non-Finnish European, 0.00034%; no homozygotes.

Submissions (2):

Athena Diagnostics
Classification: Uncertain significance. Last evaluated: 2025-08-22. Review status: criteria provided, single submitter. Criteria: Athena Diagnostics Criteria. Collection method: clinical testing. Allele origin: unknown.
Comment: Available data are insufficient to determine the clinical significance of the variant at this time. This variant has not been reported in large, multi-ethnic general populations. Polyphen and MutationTaster predict this amino acid change may be benign.

Labcorp Genetics (formerly Invitae), Labcorp
Classification: Uncertain significance for Autosomal recessive limb-girdle muscular dystrophy type 2Q; Epidermolysis bullosa simplex, Ogna type; Epidermolysis bullosa simplex with nail dystrophy; Epidermolysis bullosa simplex 5C, with pyloric atresia; Epidermolysis bullosa simplex 5B, with muscular dystrophy. Last evaluated: 2024-06-17. Review status: criteria provided, single submitter. Criteria: Invitae Variant Classification Sherloc (09022015). Collection method: clinical testing. Allele origin: germline.
Comment: This sequence change replaces glycine, which is neutral and non-polar, with glutamic acid, which is acidic and polar, at codon 974 of the PLEC protein (p.Gly974Glu). This variant is not present in population databases (gnomAD no frequency). This variant has not been reported in the literature in individuals affected with PLEC-related conditions. Advanced modeling of protein sequence and biophysical properties (such as structural, functional, and spatial information, amino acid conservation, physicochemical variation, residue mobility, and thermodynamic stability) performed at Invitae indicates that this missense variant is not expected to disrupt PLEC protein function with a negative predictive value of 80%. In summary, the available evidence is currently insufficient to determine the role of this variant in disease. Therefore, it has been classified as a Variant of Uncertain Significance.